The following is an entry in ClinVar:

ClinVar aggregate classification (germline): Uncertain significance (1 of 4 stars; one submission).

Conditions:
Congenital myasthenic syndrome 2A. Also called: Myasthenic syndrome, congenital, 2a, slow-channel. Identifiers: Orphanet 590, MedGen C4225374, MONDO:0014581, OMIM 616313.

Submission:

Labcorp Genetics (formerly Invitae), Labcorp
Classification: Uncertain significance for Myasthenic syndrome, congenital, 2a, slow-channel. Last evaluated: 2019-09-23. Review status: criteria provided, single submitter. Criteria: Invitae Variant Classification Sherloc (09022015). Collection method: clinical testing. Allele origin: germline.
Comment: This sequence change replaces leucine with proline at codon 116 of the CHRNB1 protein (p.Leu116Pro). The leucine residue is weakly conserved and there is a moderate physicochemical difference between leucine and proline. This variant is not present in population databases (ExAC no frequency). This variant has not been reported in the literature in individuals with CHRNB1-related conditions. Algorithms developed to predict the effect of missense changes on protein structure and function (SIFT, PolyPhen-2, Align-GVGD) all suggest that this variant is likely to be tolerated, but these predictions have not been confirmed by published functional studies and their clinical significance is uncertain. In summary, the available evidence is currently insufficient to determine the role of this variant in disease. Therefore, it has been classified as a Variant of Uncertain Significance.

NM_000747.3(CHRNB1):c.347T>C (p.Leu116Pro)

Gene: CHRNB1 (cholinergic receptor nicotinic beta 1 subunit; plus strand). Cytogenetic location: 17p13.1.
Variant type: single nucleotide variant.
Coding change: c.347T>C on transcript NM_000747.3 (MANE Select); coding-DNA position 347, T replaced by C.
Protein change: p.Leu116Pro; replaces leucine 116 with proline.
Molecular consequence: missense variant.
Genome position (GRCh38, 1-based): chr17:7,446,936, T>C. VCF-style: chr17-7446936-T-C. GRCh37 (hg19) VCF-style: chr17-7350255-T-C.
Other names: short protein forms L116P.
Identifiers: ClinVar variation 957111 (VCV000957111.1), dbSNP rs1460616970, ClinGen allele CA397790815.